The following is an entry in ClinVar:

NM_001267550.2(TTN):c.5132C>T (p.Ser1711Phe)

Gene: TTN (titin; minus strand). Cytogenetic location: 2q31.2.
Variant type: single nucleotide variant.
Coding change: c.5132C>T on transcript NM_001267550.2 (MANE Select); coding-DNA position 5132, C replaced by T.
Protein change: p.Ser1711Phe; replaces serine 1711 with phenylalanine.
Molecular consequence: missense variant.
Genome position (GRCh38, 1-based): chr2:178,776,732, G>A on the plus strand (C>T on the coding strand, the complement: TTN is on the minus strand). VCF-style: chr2-178776732-G-A. GRCh37 (hg19) VCF-style: chr2-179641459-G-A.
Other names: c.5132C>T, p.Ser1711Phe (NM_133378.4, NM_001256850.1, NM_133379.5); c.4994C>T, p.Ser1665Phe (NM_003319.4, NM_133432.3, NM_133437.4); short protein forms S1711F, S1665F.
Identifiers: ClinVar variation 47144 (VCV000047144.13), dbSNP rs397517641, ClinGen allele CA140119.

ClinVar aggregate classification (germline): Conflicting classifications of pathogenicity. Review status: criteria provided, conflicting classifications (1 of 4 stars). 6 submissions from 6 submitters: Uncertain significance (5); Likely benign (1). Last evaluated 2026-07-11.

Conditions:
TTN-related disorder. Also called: TTN-related condition; TTN-related disease; TTN-related disorders.
Autosomal recessive limb-girdle muscular dystrophy type 2J (LGMDR10). Also called: Limb-girdle muscular dystrophy, type 2J; MUSCULAR DYSTROPHY, LIMB-GIRDLE, AUTOSOMAL RECESSIVE 10. Identifiers: Orphanet 140922, MedGen C1837342, MONDO:0012127, OMIM 608807.
Dilated cardiomyopathy 1G (CMD1G). Identifiers: Orphanet 154, MedGen C1858763, MONDO:0011400, OMIM 604145.
Hypertrophic cardiomyopathy 9. Also called: Familial hypertrophic cardiomyopathy 9. Identifiers: MedGen C1861065, MONDO:0013412, OMIM 613765.

Allele frequency attached by ClinVar (database versions not stated): gnomAD exomes below 0.00001 and 0.00001; ExAC 0.00002; TOPMed 0.00002; gnomAD 0.00004 and 0.00005; 1000 Genomes Project 30x 0.00016.
gnomAD v4.1: 17 of 1,614,084 alleles (0.0011%); highest among the groups gnomAD compares: Admixed American, 0.012%; no homozygotes.

Submissions (6):

PreventionGenetics, part of Exact Sciences
Classification: Uncertain significance for TTN-related condition. Last evaluated: 2026-07-11. Review status: criteria provided, single submitter. Criteria: ACMG Guidelines, 2015. Collection method: clinical testing. Allele origin: germline.
Comment: The TTN c.5132C>T variant is predicted to result in the amino acid substitution p.Ser1711Phe. This variant was reported in an individual with dilated cardiomyopathy (Table S1, Pugh et al. 2014. PubMed ID: 24503780). This variant is reported in 0.0040% of alleles in individuals of African descent in gnomAD. At this time, the clinical significance of this variant is uncertain due to the absence of conclusive functional and genetic evidence.

Blueprint Genetics
Classification: Likely benign. Last evaluated: 2024-11-21. Review status: criteria provided, single submitter. Criteria: ACMG Guidelines, 2015. Collection method: clinical testing. Allele origin: germline.

Clinical Genomics Laboratory, Washington University in St. Louis
Classification: Uncertain significance for Hypertrophic cardiomyopathy 9. Last evaluated: 2024-10-17. Review status: criteria provided, single submitter. Criteria: ACMG Guidelines, 2015. Collection method: clinical testing. Allele origin: germline.
Comment: The TTN c.5132C>T (p.Ser1711Phe) variant, to our knowledge, has not been reported in the medical literature. The highest population minor allele frequency in the population database genome aggregation database (v.2.1.1) is 0.03% in the other populations. This variant was reported in the ClinVar database as a variant of uncertain significance by three submitters (ClinVar ID: 47144). Computational predictors indicate that the variant is damaging, evidence that correlates with impact on TTN function. Due to limited information and based on ACMG/AMP guidelines for variant interpretation (Richards S et al., PMID: 25741868), the clinical significance of this variant is uncertain at this time.

Revvity Omics, Revvity
Classification: Uncertain significance. Last evaluated: 2019-06-14. Review status: criteria provided, single submitter. Criteria: ACMG Guidelines, 2015. Collection method: clinical testing. Allele origin: germline.

Labcorp Genetics (formerly Invitae), Labcorp
Classification: Uncertain significance for Dilated cardiomyopathy 1G; Autosomal recessive limb-girdle muscular dystrophy type 2J. Last evaluated: 2016-11-18. Review status: criteria provided, single submitter. Criteria: Invitae Variant Classification Sherloc (09022015). Collection method: clinical testing. Allele origin: germline.

Laboratory for Molecular Medicine, Mass General Brigham Personalized Medicine
Classification: Uncertain significance. Last evaluated: 2015-07-06. Review status: criteria provided, single submitter. Criteria: LMM Criteria. Collection method: clinical testing. Allele origin: germline. Observed: 2 variant alleles.
Comment: It has also been identified in 1/66648 European chromosomes and 1/908 chromosome s of unspecified ancestry by the Exome Aggregation Consortium (ExAC .; dbSNP rs397517641). Computational prediction tools and cons ervation analysis suggest that this variant may impact the protein, though this information is not predictive enough to determine pathogenicity. In summary, the clinical significance of the p.Ser1711Phe variant is uncertain.